The following is an entry in ClinVar:

NM_172107.4(KCNQ2):c.257A>G (p.Glu86Gly)

Gene: KCNQ2 (potassium voltage-gated channel subfamily Q member 2; minus strand). Cytogenetic location: 20q13.33.
Variant type: single nucleotide variant.
Coding change: c.257A>G on transcript NM_172107.4 (MANE Select); coding-DNA position 257, A replaced by G.
Protein change: p.Glu86Gly; replaces glutamic acid 86 with glycine.
Molecular consequence: missense variant.
Genome position (GRCh38, 1-based): chr20:63,472,207, T>C on the plus strand (A>G on the coding strand, the complement: KCNQ2 is on the minus strand). VCF-style: chr20-63472207-T-C. GRCh37 (hg19) VCF-style: chr20-62103560-T-C.
Other names: c.257A>G, p.Glu86Gly (NM_001382235.1, NM_004518.6, NM_172106.3 and 2 more transcripts); short protein forms E86G.
Identifiers: ClinVar variation 3637743 (VCV003637743.2).

ClinVar aggregate classification (germline): Uncertain significance (1 of 4 stars; one submission).

Conditions:
Early-infantile DEE. Also called: Early infantile epileptic encephalopathy; Ohtahara syndrome; Early infantile epileptic encephalopathy with suppression bursts. Identifiers: Orphanet 1934, MedGen C0393706, MONDO:0800491.

Submission:

Labcorp Genetics (formerly Invitae), Labcorp
Classification: Uncertain significance for Early-infantile DEE. Last evaluated: 2024-02-14. Review status: criteria provided, single submitter. Criteria: Invitae Variant Classification Sherloc (09022015). Collection method: clinical testing. Allele origin: germline.
Comment: This sequence change replaces glutamic acid, which is acidic and polar, with glycine, which is neutral and non-polar, at codon 86 of the KCNQ2 protein (p.Glu86Gly). This variant is not present in population databases (gnomAD no frequency). This variant has not been reported in the literature in individuals affected with KCNQ2-related conditions. Advanced modeling of protein sequence and biophysical properties (such as structural, functional, and spatial information, amino acid conservation, physicochemical variation, residue mobility, and thermodynamic stability) performed at Invitae indicates that this missense variant is expected to disrupt KCNQ2 protein function with a positive predictive value of 95%. In summary, the available evidence is currently insufficient to determine the role of this variant in disease. Therefore, it has been classified as a Variant of Uncertain Significance.